The following is an entry in ClinVar:

NM_002528.7(NTHL1):c.553A>C (p.Ser185Arg)

Gene: NTHL1 (nth like DNA glycosylase 1; minus strand). Cytogenetic location: 16p13.3.
Variant type: single nucleotide variant.
Coding change: c.553A>C on transcript NM_002528.7 (MANE Select); coding-DNA position 553, A replaced by C.
Protein change: p.Ser185Arg; replaces serine 185 with arginine.
Molecular consequence: missense variant.
Genome position (GRCh38, 1-based): chr16:2,043,699, T>G on the plus strand (A>C on the coding strand, the complement: NTHL1 is on the minus strand). VCF-style: chr16-2043699-T-G. GRCh37 (hg19) VCF-style: chr16-2093700-T-G.
Other names: c.382A>C, p.Ser128Arg (NM_001318193.2); c.223A>C, p.Ser75Arg (NM_001318194.2); short protein forms S185R, S128R, S75R.
Identifiers: ClinVar variation 1035351 (VCV001035351.7), dbSNP rs2084300945, ClinGen allele CA394292311.

ClinVar aggregate classification (germline): Uncertain significance (1 of 4 stars; one submission).

Allele frequency attached by ClinVar (database versions not stated): gnomAD exomes 0.00001.
gnomAD v4.1: 9 of 1,612,160 alleles (0.00056%); highest among the groups gnomAD compares: Non-Finnish European, 0.00076%; no homozygotes.

Submission:

Labcorp Genetics (formerly Invitae), Labcorp
Classification: Uncertain significance. Last evaluated: 2023-03-27. Review status: criteria provided, single submitter. Criteria: Invitae Variant Classification Sherloc (09022015). Collection method: clinical testing. Allele origin: germline.
Comment: In summary, the available evidence is currently insufficient to determine the role of this variant in disease. Therefore, it has been classified as a Variant of Uncertain Significance. An algorithm developed to predict the effect of missense changes on protein structure and function (PolyPhen-2) suggests that this variant is likely to be disruptive. ClinVar contains an entry for this variant (Variation ID: 1035351). This variant has not been reported in the literature in individuals affected with NTHL1-related conditions. This variant is not present in population databases (gnomAD no frequency). This sequence change replaces serine, which is neutral and polar, with arginine, which is basic and polar, at codon 193 of the NTHL1 protein (p.Ser193Arg).